The following is an entry in ClinVar:

NM_001042492.3(NF1):c.7217T>C (p.Val2406Ala)

Gene: NF1 (neurofibromin 1; plus strand). Cytogenetic location: 17q11.2.
Variant type: single nucleotide variant.
Coding change: c.7217T>C on transcript NM_001042492.3 (MANE Select); coding-DNA position 7217, T replaced by C.
Protein change: p.Val2406Ala; replaces valine 2406 with alanine.
Molecular consequence: missense variant.
Genome position (GRCh38, 1-based): chr17:31,349,147, T>C. VCF-style: chr17-31349147-T-C. GRCh37 (hg19) VCF-style: chr17-29676165-T-C.
Other names: c.7154T>C, p.Val2385Ala (NM_000267.4); short protein forms V2385A, V2406A.
Identifiers: ClinVar variation 1374156 (VCV001374156.9), dbSNP rs950181978, ClinGen allele CA289400882.

ClinVar aggregate classification (germline): Uncertain significance. Review status: criteria provided, multiple submitters, no conflicts (2 of 4 stars). 2 submissions from 2 submitters: Uncertain significance (2). Last evaluated 2025-04-07.

Conditions:
Cardiovascular phenotype. Identifiers: MedGen CN230736.
Hereditary cancer-predisposing syndrome. Also called: Hereditary neoplastic syndrome; Hereditary Cancer Syndrome; Neoplastic Syndromes, Hereditary; Tumor predisposition. Identifiers: Orphanet 140162, MedGen C0027672, MeSH D009386, MONDO:0015356.
Neurofibromatosis, type 1 (NF1). Also called: Peripheral type neurofibromatosis; Neurofibromatosis, type I; NEUROFIBROMATOSIS, TYPE I, SOMATIC; VON RECKLINGHAUSEN DISEASE. Identifiers: Orphanet 636, MedGen C0027831, MONDO:0018975, OMIM 162200. Disease mechanism: loss of function.

Submissions (2):

Labcorp Genetics (formerly Invitae), Labcorp
Classification: Uncertain significance for Neurofibromatosis, type 1. Last evaluated: 2025-04-07. Review status: criteria provided, single submitter. Criteria: Invitae Variant Classification Sherloc (09022015). Collection method: clinical testing. Allele origin: germline.
Comment: This sequence change replaces valine, which is neutral and non-polar, with alanine, which is neutral and non-polar, at codon 2385 of the NF1 protein (p.Val2385Ala). This variant is not present in population databases (gnomAD no frequency). This variant has not been reported in the literature in individuals affected with NF1-related conditions. ClinVar contains an entry for this variant (Variation ID: 1374156). Invitae Evidence Modeling of protein sequence and biophysical properties (such as structural, functional, and spatial information, amino acid conservation, physicochemical variation, residue mobility, and thermodynamic stability) indicates that this missense variant is not expected to disrupt NF1 protein function with a negative predictive value of 95%. In summary, the available evidence is currently insufficient to determine the role of this variant in disease. Therefore, it has been classified as a Variant of Uncertain Significance.

Ambry Genetics
Classification: Uncertain significance for Cardiovascular phenotype; Hereditary cancer-predisposing syndrome. Last evaluated: 2025-01-17. Review status: criteria provided, single submitter. Criteria: Ambry Variant Classification Scheme 2023. Collection method: clinical testing. Allele origin: germline.
Comment: The p.V2385A variant (also known as c.7154T>C), located in coding exon 48 of the NF1 gene, results from a T to C substitution at nucleotide position 7154. The valine at codon 2385 is replaced by alanine, an amino acid with similar properties. This amino acid position is highly conserved in available vertebrate species. In addition, this alteration is predicted to be tolerated by in silico analysis. Based on the available evidence, the clinical significance of this variant remains unclear.